The following is an entry in ClinVar:

ClinVar aggregate classification (germline): Conflicting classifications of pathogenicity. Review status: criteria provided, conflicting classifications (1 of 4 stars). 2 submissions from 2 submitters: Uncertain significance (1); Likely benign (1). Last evaluated 2025-06-16.

Allele frequency attached by ClinVar (database versions not stated): ExAC 0.00012; ESP Exome Variant Server 0.00015; TOPMed 0.00016; gnomAD exomes 0.00018; gnomAD 0.00022; 1000 Genomes Project 0.00040; 1000 Genomes Project 30x 0.00047.
gnomAD v4.1: 300 of 1,614,166 alleles (0.019%); highest among the groups gnomAD compares: African/African-American, 0.028%; no homozygotes.

Submissions (2):

Labcorp Genetics (formerly Invitae), Labcorp
Classification: Uncertain significance. Last evaluated: 2025-06-16. Review status: criteria provided, single submitter. Criteria: Invitae Variant Classification Sherloc (09022015). Collection method: clinical testing. Allele origin: germline.
Comment: This sequence change replaces isoleucine, which is neutral and non-polar, with valine, which is neutral and non-polar, at codon 937 of the KANK1 protein (p.Ile937Val). This variant is present in population databases (rs116264627, gnomAD 0.03%). This variant has not been reported in the literature in individuals affected with KANK1-related conditions. ClinVar contains an entry for this variant (Variation ID: 2176431). Invitae Evidence Modeling of protein sequence and biophysical properties (such as structural, functional, and spatial information, amino acid conservation, physicochemical variation, residue mobility, and thermodynamic stability) indicates that this missense variant is not expected to disrupt KANK1 protein function with a negative predictive value of 80%. In summary, the available evidence is currently insufficient to determine the role of this variant in disease. Therefore, it has been classified as a Variant of Uncertain Significance.

Ambry Genetics
Classification: Likely benign. Last evaluated: 2024-01-30. Review status: criteria provided, single submitter. Criteria: Ambry Variant Classification Scheme 2023. Collection method: clinical testing. Allele origin: germline.

NM_015158.5(KANK1):c.2809A>G (p.Ile937Val)

Gene: KANK1 (KN motif and ankyrin repeat domains 1; plus strand). Cytogenetic location: 9p24.3.
Variant type: single nucleotide variant.
Coding change: c.2809A>G on transcript NM_015158.5 (MANE Select); coding-DNA position 2809, A replaced by G.
Protein change: p.Ile937Val; replaces isoleucine 937 with valine.
Molecular consequence: missense variant. On other transcripts: non-coding transcript variant (1).
Genome position (GRCh38, 1-based): chr9:730,161, A>G. VCF-style: chr9-730161-A-G. GRCh37 (hg19) VCF-style: chr9-730161-A-G.
Other names: c.2809A>G, p.Ile937Val (NM_001256876.3, NM_001256877.3, NM_001354331.2 and 2 more transcripts); c.2335A>G, p.Ile779Val (NM_001354333.2, NM_001354335.2, NM_001354336.2 and 9 more transcripts); c.2809A>G (NM_015158.2); short protein forms I779V, I937V.
Identifiers: ClinVar variation 2176431 (VCV002176431.5), dbSNP rs116264627, ClinGen allele CA4960625.
Genomic context (GRCh38, chr9:730,161, plus strand): 5'-CCCTTAAGCTCCCAGACATCCCAGCCTGAGCAAGAAGTGGGGACCTCAGAAGGAAAGCCA[A>G]TCAGCAGCCTGGATGCCTTCCCCACTCAGGAAGGTACGCTGTCTCCAGTGAACCTGACAG-3'
Protein context (NP_055973.2, residues 927-947): QEVGTSEGKP[Ile937Val]SSLDAFPTQE